The following is an entry in ClinVar:

NM_001366145.2(TRPM3):c.1368C>T (p.Asp456=)

Gene: TRPM3 (transient receptor potential cation channel subfamily M member 3; minus strand). Cytogenetic location: 9q21.12.
Variant type: single nucleotide variant.
Coding change: c.1368C>T on transcript NM_001366145.2 (MANE Select); coding-DNA position 1368, C replaced by T.
Protein change: p.Asp456=; no amino-acid change (aspartic acid 456 retained).
Molecular consequence: synonymous variant.
Genome position (GRCh38, 1-based): chr9:70,640,638, G>A on the plus strand (C>T on the coding strand, the complement: TRPM3 is on the minus strand). VCF-style: chr9-70640638-G-A. GRCh37 (hg19) VCF-style: chr9-73255554-G-A.
Other names: c.1368C>T, p.Asp456= (NM_001007471.4, NM_001366146.2, NM_001366149.2 and 2 more transcripts); c.1374C>T, p.Asp458= (NM_001366141.2, NM_001366142.2, NM_001366143.2); c.1443C>T, p.Asp481= (NM_001366147.2, NM_001366148.2, NM_001366152.2); c.909C>T, p.Asp303= (NM_001366154.2, NM_020952.6, NM_024971.7 and 2 more transcripts); c.984C>T, p.Asp328= (NM_206946.5, NM_206947.5).
Identifiers: ClinVar variation 3056256 (VCV003056256.2), dbSNP rs12351775, ClinGen allele CA5078588.

ClinVar aggregate classification (germline): Benign (0 of 4 stars; one submission).

Conditions:
TRPM3-related disorder. Also called: TRPM3-related condition.

Allele frequency attached by ClinVar (database versions not stated): ExAC 0.03090; gnomAD exomes 0.03125; gnomAD 0.03301; 1000 Genomes Project 0.03375; TOPMed 0.03460; ESP Exome Variant Server 0.03575; 1000 Genomes Project 30x 0.03592.
gnomAD v4.1: 50,838 of 1,613,384 alleles (3.2%); highest among the groups gnomAD compares: South Asian, 4.9%; 949 homozygotes.

Submission:

PreventionGenetics, part of Exact Sciences
Classification: Benign for TRPM3-related condition. Last evaluated: 2019-05-13. Review status: no assertion criteria provided. Collection method: clinical testing. Allele origin: germline.
Comment: This variant is classified as benign based on ACMG/AMP sequence variant interpretation guidelines (Richards et al. 2015 PMID: 25741868, with internal and published modifications).